The following is an entry in ClinVar:

NM_002968.3(SALL1):c.36C>G (p.Phe12Leu)

Gene: SALL1 (spalt like transcription factor 1; minus strand). Cytogenetic location: 16q12.1.
Variant type: single nucleotide variant.
Coding change: c.36C>G on transcript NM_002968.3 (MANE Select); coding-DNA position 36, C replaced by G.
Protein change: p.Phe12Leu; replaces phenylalanine 12 with leucine.
Molecular consequence: missense variant.
Genome position (GRCh38, 1-based): chr16:51,151,206, G>C on the plus strand (C>G on the coding strand, the complement: SALL1 is on the minus strand). VCF-style: chr16-51151206-G-C. GRCh37 (hg19) VCF-style: chr16-51185117-G-C.
Other names: short protein forms F12L.
Identifiers: ClinVar variation 4072796 (VCV004072796.1).

ClinVar aggregate classification (germline): Uncertain significance (1 of 4 stars; one submission).

Submission:

GeneDx
Classification: Uncertain significance. Last evaluated: 2025-02-01. Review status: criteria provided, single submitter. Criteria: GeneDx Variant Classification Process June 2021. Collection method: clinical testing. Allele origin: germline. Affected: yes.
Comment: Not observed at significant frequency in large population cohorts (gnomAD); In silico analysis supports that this missense variant has a deleterious effect on protein structure/function; Has not been previously published as pathogenic or benign to our knowledge